The following is an entry in ClinVar:

NM_000719.7(CACNA1C):c.4433A>G (p.Asn1478Ser)

Gene: CACNA1C (calcium voltage-gated channel subunit alpha1 C; plus strand). Cytogenetic location: 12p13.33.
Variant type: single nucleotide variant.
Coding change: c.4433A>G on transcript NM_000719.7 (MANE Select); coding-DNA position 4433, A replaced by G.
Protein change: p.Asn1478Ser; replaces asparagine 1478 with serine.
Molecular consequence: missense variant.
Genome position (GRCh38, 1-based): chr12:2,665,615, A>G. VCF-style: chr12-2665615-A-G. GRCh37 (hg19) VCF-style: chr12-2774781-A-G.
Other names: c.4577A>G, p.Asn1526Ser (NM_001129827.2, NM_199460.4); c.4499A>G, p.Asn1500Ser (NM_001129829.2); c.4433A>G, p.Asn1478Ser (NM_001129830.3, NM_001129833.2, NM_001129834.2 and 7 more transcripts); c.4517A>G, p.Asn1506Ser (NM_001129831.2); c.4493A>G, p.Asn1498Ser (NM_001129832.2); c.4484A>G, p.Asn1495Ser (NM_001129836.2); c.4400A>G, p.Asn1467Ser (NM_001129837.2, NM_001129838.2, NM_001129846.2 and 1 more transcripts); c.4394A>G, p.Asn1465Ser (NM_001129839.2); and 1 more; short protein forms N1465S, N1467S, N1475S, N1478S, N1495S, N1498S, N1500S, N1506S.
Identifiers: ClinVar variation 3338727 (VCV003338727.2).

ClinVar aggregate classification (germline): Uncertain significance (1 of 4 stars; one submission).

gnomAD v4.1: 1 of 1,613,856 alleles (0.000062%); highest among the groups gnomAD compares: Non-Finnish European, 0.000085%; no homozygotes.

Submission:

GeneDx
Classification: Uncertain significance. Last evaluated: 2026-01-23. Review status: criteria provided, single submitter. Criteria: GeneDx Variant Classification Process June 2021. Collection method: clinical testing. Allele origin: germline. Affected: yes.
Comment: Not observed at significant frequency in large population cohorts (gnomAD); In silico analysis supports that this missense variant has a deleterious effect on protein structure/function; Has not been previously published as pathogenic or benign to our knowledge